The following is an entry in ClinVar:

ClinVar aggregate classification (germline): Benign/Likely benign. Review status: criteria provided, multiple submitters, no conflicts (2 of 4 stars). 4 submissions from 4 submitters: Benign (1); Likely benign (3). Last evaluated 2025-07-18.

Conditions:
Inborn genetic diseases. Identifiers: MedGen C0950123, MeSH D030342.
DYNC1H1-related disorder. Also called: DYNC1H1-related condition; DYNC1H1-related disorders. Identifiers: MedGen CN381529.
Charcot-Marie-Tooth disease axonal type 2O. Also called: CHARCOT-MARIE-TOOTH NEUROPATHY, AXONAL, TYPE 2O; CHARCOT-MARIE-TOOTH DISEASE, AXONAL, AUTOSOMAL DOMINANT, TYPE 2O; Charcot-Marie-Tooth disease, axonal, type 20; Charcot-Marie-Tooth Neuropathy Type 2O. Identifiers: Orphanet 284232, MedGen C3280220, MONDO:0013644, OMIM 614228.

Allele frequency attached by ClinVar (database versions not stated): gnomAD 0.00002; ExAC 0.00004; gnomAD exomes 0.00004 and 0.00005; TOPMed 0.00005.

Submissions (4):

Labcorp Genetics (formerly Invitae), Labcorp
Classification: Benign for Charcot-Marie-Tooth disease axonal type 2O. Last evaluated: 2025-07-18. Review status: criteria provided, single submitter. Criteria: Invitae Variant Classification Sherloc (09022015). Collection method: clinical testing. Allele origin: germline.

PreventionGenetics, part of Exact Sciences
Classification: Likely benign for DYNC1H1-related condition. Last evaluated: 2025-01-07. Review status: criteria provided, single submitter. Criteria: ACMG Guidelines, 2015. Collection method: clinical testing. Allele origin: germline.
Comment: This variant is classified as likely benign based on ACMG/AMP sequence variant interpretation guidelines (Richards et al. 2015 PMID: 25741868, with internal and published modifications).

Ambry Genetics
Classification: Likely benign for Inborn genetic diseases. Last evaluated: 2020-03-04. Review status: criteria provided, single submitter. Criteria: Ambry Variant Classification Scheme 2023. Collection method: clinical testing. Allele origin: germline.

GeneDx
Classification: Likely benign. Last evaluated: 2020-01-06. Review status: criteria provided, single submitter. Criteria: GeneDx Variant Classification Process June 2021. Collection method: clinical testing. Allele origin: germline. Affected: yes.
Comment: In silico analysis, which includes protein predictors and evolutionary conservation, supports that this variant does not alter protein structure/function; Has not been previously published as pathogenic or benign to our knowledge

NM_001376.5(DYNC1H1):c.422G>A (p.Ser141Asn)

Gene: DYNC1H1 (dynein cytoplasmic 1 heavy chain 1; plus strand). Cytogenetic location: 14q32.31.
Variant type: single nucleotide variant.
Coding change: c.422G>A on transcript NM_001376.5 (MANE Select); coding-DNA position 422, G replaced by A.
Protein change: p.Ser141Asn; replaces serine 141 with asparagine.
Molecular consequence: missense variant.
Genome position (GRCh38, 1-based): chr14:101,979,396, G>A. VCF-style: chr14-101979396-G-A. GRCh37 (hg19) VCF-style: chr14-102445733-G-A.
Other names: short protein forms S141N.
Identifiers: ClinVar variation 566902 (VCV000566902.14), dbSNP rs776226690, ClinGen allele CA7351527.